The following is an entry in ClinVar:

ClinVar aggregate classification (germline): Likely pathogenic (3 of 4 stars; one submission).

Conditions:
Glanzmann thrombasthenia. Also called: BLEEDING DISORDER, PLATELET-TYPE, 2; THROMBASTHENIA OF GLANZMANN AND NAEGELI; PLATELET GLYCOPROTEIN IIb-IIIa DEFICIENCY; Glanzmann's thrombasthenia; Thrombasthenia. Identifiers: Orphanet 849, MedGen C0040015, MONDO:0100326.

Allele frequency attached by ClinVar (database versions not stated): gnomAD exomes below 0.00001; TOPMed below 0.00001; ExAC 0.00001.

Submission:

ClinGen Platelet Disorders Variant Curation Expert Panel, ClinGen
Classification: Likely pathogenic for Glanzmann thrombasthenia. Last evaluated: 2023-05-16. Review status: reviewed by expert panel. Criteria: ClinGen Platelet ACMG Specifications v2-1. Collection method: curation. Allele origin: germline. Inheritance: Autosomal recessive inheritance.
Comment: The NM_000419.5(ITGA2B):c.460_462del deletion variant results in the in-frame deletion of Glu154 (PM4). It has been observed, in the homozygous state, in at least one case (PMID: 29675921; PM3_supporting) meeting the clinical and laboratory criteria of Glanzmann thrombasthenia, including mucocutaneous bleeding, impaired aggregation with all agonists except ristocetin, and reduced surface expression of αIIbβ3 measured by flow cytometry (PP4_strong). This variant occurs at an extremely low frequency with an overall allele frequency from gnomAD of 0.000004017 and MAF of 0.000008870 in the non-Finnish European population (PM2_supporting). In summary, this variant meets the criteria to be classified as Likely Pathogenic for autosomal recessive Glanzmann Thrombasthenia based on the ACMG/AMP criteria applied, as specified by the ClinGen PD VCEP: PP4_strong, PM2_supporting, PM3_supporting, PM4, PP4_strong. (VCEP specifications version 2).

Literature cited by the submitters: PubMed 29675921.

NM_000419.5(ITGA2B):c.460_462del (p.Glu154del)

Gene: ITGA2B (integrin subunit alpha 2b; minus strand). Cytogenetic location: 17q21.31.
Variant type: Deletion.
Coding change: c.460_462del on transcript NM_000419.5 (MANE Select); coding-DNA positions 460 to 462, 3 bases deleted (GAG; older notation c.460_462delGAG).
Protein change: p.Glu154del; deletes glutamic acid 154.
Molecular consequence: inframe deletion.
Genome position (GRCh38, 1-based): chr17:44,385,663-44,385,665, CTC deleted on the plus strand (GAG on the coding strand, the reverse complement: ITGA2B is on the minus strand). VCF-style (leftmost placement, unchanged base first): chr17-44385662-TCTC-T. GRCh37 (hg19) VCF-style: chr17-42463030-TCTC-T.
Other names: short protein forms E154del.
Identifiers: ClinVar variation 953044 (VCV000953044.4), dbSNP rs747956782, ClinGen allele CA8603457.